The following is an entry in ClinVar:

NM_000548.5(TSC2):c.5360G>A (p.Gly1787Asp)

Gene: TSC2 (TSC complex subunit 2; plus strand). Cytogenetic location: 16p13.3.
Variant type: single nucleotide variant.
Coding change: c.5360G>A on transcript NM_000548.5 (MANE Select); coding-DNA position 5360, G replaced by A.
Protein change: p.Gly1787Asp; replaces glycine 1787 with aspartic acid.
Molecular consequence: missense variant. On other transcripts: non-coding transcript variant (5).
Genome position (GRCh38, 1-based): chr16:2,088,546, G>A. VCF-style: chr16-2088546-G-A. GRCh37 (hg19) VCF-style: chr16-2138547-G-A.
Other names: c.5291G>A, p.Gly1764Asp (NM_001114382.3); c.5051G>A, p.Gly1684Asp (NM_001318827.2); c.5015G>A, p.Gly1672Asp (NM_001318829.2); c.4628G>A, p.Gly1543Asp (NM_001318831.2); c.5192G>A, p.Gly1731Asp (NM_001318832.2); c.5162G>A, p.Gly1721Asp (NM_001363528.2); c.5228G>A, p.Gly1743Asp (NM_001370404.1); c.5288G>A, p.Gly1763Asp (NM_001406664.1); and 27 more; short protein forms G1295D, G1316D, G1520D, G1543D, G1587D, G1683D, G1716D, G1717D.
Identifiers: ClinVar variation 2734580 (VCV002734580.3), dbSNP rs2544517156, ClinGen allele CA394315816.

ClinVar aggregate classification (germline): Uncertain significance (1 of 4 stars; one submission).

Conditions:
Tuberous sclerosis 2 (TSC2). Identifiers: Orphanet 805, MedGen C1860707, MONDO:0013199, OMIM 613254.

Submission:

Labcorp Genetics (formerly Invitae), Labcorp
Classification: Uncertain significance for Tuberous sclerosis 2. Last evaluated: 2023-11-27. Review status: criteria provided, single submitter. Criteria: Invitae Variant Classification Sherloc (09022015). Collection method: clinical testing. Allele origin: germline.
Comment: This sequence change replaces glycine, which is neutral and non-polar, with aspartic acid, which is acidic and polar, at codon 1787 of the TSC2 protein (p.Gly1787Asp). This variant is not present in population databases (gnomAD no frequency). This variant has not been reported in the literature in individuals affected with TSC2-related conditions. Advanced modeling of protein sequence and biophysical properties (such as structural, functional, and spatial information, amino acid conservation, physicochemical variation, residue mobility, and thermodynamic stability) performed at Invitae indicates that this missense variant is not expected to disrupt TSC2 protein function with a negative predictive value of 95%. In summary, the available evidence is currently insufficient to determine the role of this variant in disease. Therefore, it has been classified as a Variant of Uncertain Significance.